The following is an entry in ClinVar:

ClinVar aggregate classification (germline): Likely pathogenic (1 of 4 stars; one submission).

Conditions:
Glycine encephalopathy 1 (GCE1). Identifiers: MedGen CN376801, MONDO:0958179, OMIM 605899.

Submission:

Juno Genomics, Hangzhou Juno Genomics, Inc
Classification: Likely pathogenic for Glycine encephalopathy 1. Review status: criteria provided, single submitter. Criteria: ACMG Guidelines, 2015. Collection method: clinical testing. Allele origin: germline.
Comment: Null variant in a gene where loss of function (LOF) is a known mechanism of disease.;Absent from controls (or at extremely low frequency if recessive) in Genome Aggregation Database.

NM_000170.3(GLDC):c.2260A>T (p.Lys754Ter)

Gene: GLDC (glycine decarboxylase; minus strand). Cytogenetic location: 9p24.1.
Variant type: single nucleotide variant.
Coding change: c.2260A>T on transcript NM_000170.3 (MANE Select); coding-DNA position 2260, A replaced by T.
Protein change: p.Lys754Ter; replaces lysine 754 with a stop codon.
Molecular consequence: nonsense.
Genome position (GRCh38, 1-based): chr9:6,554,724, T>A on the plus strand (A>T on the coding strand, the complement: GLDC is on the minus strand). VCF-style: chr9-6554724-T-A. GRCh37 (hg19) VCF-style: chr9-6554724-T-A.
Other names: short protein forms K754*.
Identifiers: ClinVar variation 5007456 (VCV005007456.2).